The following is an entry in ClinVar:

NM_033026.6(PCLO):c.7234C>A (p.Pro2412Thr)

Gene: PCLO (piccolo presynaptic cytomatrix protein; minus strand). Cytogenetic location: 7q21.11.
Variant type: single nucleotide variant.
Coding change: c.7234C>A on transcript NM_033026.6 (MANE Select); coding-DNA position 7234, C replaced by A.
Protein change: p.Pro2412Thr; replaces proline 2412 with threonine.
Molecular consequence: missense variant.
Genome position (GRCh38, 1-based): chr7:82,953,719, G>T on the plus strand (C>A on the coding strand, the complement: PCLO is on the minus strand). VCF-style: chr7-82953719-G-T. GRCh37 (hg19) VCF-style: chr7-82583035-G-T.
Other names: c.7234C>A, p.Pro2412Thr (NM_014510.3); short protein forms P2412T.
Identifiers: ClinVar variation 1514601 (VCV001514601.5), dbSNP rs267601595, ClinGen allele CA367917413.

ClinVar aggregate classification (germline): Uncertain significance (1 of 4 stars; one submission).

Allele frequency attached by ClinVar (database versions not stated): gnomAD exomes 0.00002.
gnomAD v4.1: 6 of 909,474 alleles (0.00066%); highest among the groups gnomAD compares: Admixed American, 0.0048%; no homozygotes.

Submission:

Labcorp Genetics (formerly Invitae), Labcorp
Classification: Uncertain significance. Last evaluated: 2021-08-31. Review status: criteria provided, single submitter. Criteria: Invitae Variant Classification Sherloc (09022015). Collection method: clinical testing. Allele origin: germline.
Comment: This sequence change replaces proline with threonine at codon 2412 of the PCLO protein (p.Pro2412Thr). The proline residue is moderately conserved and there is a small physicochemical difference between proline and threonine. The frequency data for this variant in the population databases is considered unreliable, as metrics indicate insufficient coverage at this position in the ExAC database. This variant has not been reported in the literature in individuals affected with PCLO-related conditions. Algorithms developed to predict the effect of missense changes on protein structure and function are either unavailable or do not agree on the potential impact of this missense change (SIFT: "Tolerated"; PolyPhen-2: "Not Available"; Align-GVGD: "Class C0"). In summary, the available evidence is currently insufficient to determine the role of this variant in disease. Therefore, it has been classified as a Variant of Uncertain Significance.